The following is an entry in ClinVar:

ClinVar aggregate classification (germline): Uncertain significance (1 of 4 stars; one submission).

Conditions:
Hereditary cancer-predisposing syndrome. Also called: Neoplastic Syndromes, Hereditary; Hereditary Cancer Syndrome; Tumor predisposition; Hereditary neoplastic syndrome. Identifiers: Orphanet 140162, MedGen C0027672, MeSH D009386, MONDO:0015356.

Submission:

Color Diagnostics, LLC DBA Color Health
Classification: Uncertain significance for Hereditary cancer-predisposing syndrome. Last evaluated: 2023-12-05. Review status: criteria provided, single submitter. Criteria: ACMG Guidelines, 2015. Collection method: clinical testing. Allele origin: germline.
Comment: This missense variant replaces glycine with cysteine at codon 581 of the BAP1 protein. Computational prediction suggests that this variant may not impact protein structure and function (internally defined REVEL score threshold <= 0.5, PMID: 27666373). To our knowledge, functional studies have not been reported for this variant. This variant has not been reported in individuals affected with BAP1-related disorders in the literature. This variant has not been identified in the general population by the Genome Aggregation Database (gnomAD). The available evidence is insufficient to determine the role of this variant in disease conclusively. Therefore, this variant is classified as a Variant of Uncertain Significance.

NM_004656.4(BAP1):c.1741G>T (p.Gly581Cys)

Gene: BAP1 (BRCA1 associated deubiquitinase 1; minus strand). Cytogenetic location: 3p21.1.
Variant type: single nucleotide variant.
Coding change: c.1741G>T on transcript NM_004656.4 (MANE Select); coding-DNA position 1741, G replaced by T.
Protein change: p.Gly581Cys; replaces glycine 581 with cysteine.
Molecular consequence: missense variant.
Genome position (GRCh38, 1-based): chr3:52,403,287, C>A on the plus strand (G>T on the coding strand, the complement: BAP1 is on the minus strand). VCF-style: chr3-52403287-C-A. GRCh37 (hg19) VCF-style: chr3-52437303-C-A.
Other names: short protein forms G581C.
Identifiers: ClinVar variation 927941 (VCV000927941.4), dbSNP rs779252716, ClinGen allele CA353099301.